The following is an entry in ClinVar:

ClinVar aggregate classification (germline): Uncertain significance (1 of 4 stars; one submission).

Conditions:
Osteogenesis imperfecta type 7 (OI7). Also called: OSTEOGENESIS IMPERFECTA, TYPE IIB; Osteogenesis imperfecta type 2B; OI type 2B; Osteogenesis imperfecta, perinatal lethal autosomal recessive; OI type IIB; OI type 7. Identifiers: MedGen C1853162, MONDO:0012536, OMIM 610682.

Allele frequency attached by ClinVar (database versions not stated): TOPMed 0.00001.
gnomAD v4.1: 7 of 1,551,400 alleles (0.00045%); highest among the groups gnomAD compares: Admixed American, 0.0019%; no homozygotes.

Submission:

Labcorp Genetics (formerly Invitae), Labcorp
Classification: Uncertain significance for Osteogenesis imperfecta type 7. Last evaluated: 2020-02-05. Review status: criteria provided, single submitter. Criteria: Invitae Variant Classification Sherloc (09022015). Collection method: clinical testing. Allele origin: germline.
Comment: This sequence change replaces aspartic acid with tyrosine at codon 79 of the CRTAP protein (p.Asp79Tyr). The aspartic acid residue is highly conserved and there is a large physicochemical difference between aspartic acid and tyrosine. In summary, the available evidence is currently insufficient to determine the role of this variant in disease. Therefore, it has been classified as a Variant of Uncertain Significance. Algorithms developed to predict the effect of missense changes on protein structure and function are either unavailable or do not agree on the potential impact of this missense change (SIFT: "Deleterious"; PolyPhen-2: "Probably Damaging"; Align-GVGD: "Class C15"). This variant has not been reported in the literature in individuals with CRTAP-related conditions. This variant is present in population databases (rs375833342, ExAC 0.02%).

NM_006371.5(CRTAP):c.235G>T (p.Asp79Tyr)

Gene: CRTAP (cartilage associated protein; plus strand). Cytogenetic location: 3p22.3.
Variant type: single nucleotide variant.
Coding change: c.235G>T on transcript NM_006371.5 (MANE Select); coding-DNA position 235, G replaced by T.
Protein change: p.Asp79Tyr; replaces aspartic acid 79 with tyrosine.
Molecular consequence: missense variant.
Genome position (GRCh38, 1-based): chr3:33,114,312, G>T. VCF-style: chr3-33114312-G-T. GRCh37 (hg19) VCF-style: chr3-33155804-G-T.
Other names: short protein forms D79Y.
Identifiers: ClinVar variation 1038766 (VCV001038766.4), dbSNP rs375833342, ClinGen allele CA2300231.